The following is an entry in ClinVar:

NM_004629.2(FANCG):c.293G>T (p.Arg98Leu)

Gene: FANCG (FA complementation group G; minus strand). Cytogenetic location: 9p13.3.
Variant type: single nucleotide variant.
Coding change: c.293G>T on transcript NM_004629.2 (MANE Select); coding-DNA position 293, G replaced by T.
Protein change: p.Arg98Leu; replaces arginine 98 with leucine.
Molecular consequence: missense variant.
Genome position (GRCh38, 1-based): chr9:35,078,619, C>A on the plus strand (G>T on the coding strand, the complement: FANCG is on the minus strand). VCF-style: chr9-35078619-C-A. GRCh37 (hg19) VCF-style: chr9-35078616-C-A.
Other names: short protein forms R98L.
Identifiers: ClinVar variation 1011914 (VCV001011914.9), dbSNP rs372854981, ClinGen allele CA373314711.
Genomic context (GRCh38, chr9:35,078,619, plus strand): 5'-CAGACTGAAGATGGCAGGGGAATCAGGGACAATCTCTGGCCCTCACCTCTCTCTAGGCTC[C>A]GCTGGATATCCTGGGCCTGATCCTCTGTGAAACCCTGGGCCAAGCTTGCCCTCAGGATAA-3'
Protein context (NP_004620.1, residues 88-108): FTEDQAQDIQ[Arg98Leu]SLERVLETQE

ClinVar aggregate classification (germline): Uncertain significance. Review status: criteria provided, single submitter (1 of 4 stars). 2 submissions from 2 submitters: Uncertain significance (1). 1 of the submissions does not count toward it. Last evaluated 2024-10-22.

Conditions:
Fanconi anemia (FA). Also called: Fanconi's anemia. Identifiers: Orphanet 84, MedGen C0015625, MeSH D005199, MONDO:0019391.
Fanconi anemia complementation group G. Also called: Fanconi anemia group G; FANCG-Related Fanconi Anemia. Identifiers: Orphanet 84, MedGen C3469527, MONDO:0013565, OMIM 614082.

Submissions (2):

Labcorp Genetics (formerly Invitae), Labcorp
Classification: Uncertain significance for Fanconi anemia. Last evaluated: 2024-10-22. Review status: criteria provided, single submitter. Criteria: Invitae Variant Classification Sherloc (09022015). Collection method: clinical testing. Allele origin: germline.
Comment: This sequence change replaces arginine, which is basic and polar, with leucine, which is neutral and non-polar, at codon 98 of the FANCG protein (p.Arg98Leu). This variant is not present in population databases (gnomAD no frequency). This variant has not been reported in the literature in individuals affected with FANCG-related conditions. ClinVar contains an entry for this variant (Variation ID: 1011914). Invitae Evidence Modeling of protein sequence and biophysical properties (such as structural, functional, and spatial information, amino acid conservation, physicochemical variation, residue mobility, and thermodynamic stability) indicates that this missense variant is not expected to disrupt FANCG protein function with a negative predictive value of 80%. In summary, the available evidence is currently insufficient to determine the role of this variant in disease. Therefore, it has been classified as a Variant of Uncertain Significance.

Natera, Inc.
Classification: Uncertain significance for Fanconi anemia group G. Last evaluated: 2020-12-14. Review status: no assertion criteria provided. Collection method: clinical testing. Allele origin: germline. Not counted in ClinVar's aggregate classification.